The following is an entry in ClinVar:

ClinVar aggregate classification (germline): Pathogenic (1 of 4 stars; one submission).

Submission:

GeneDx
Classification: Pathogenic. Last evaluated: 2023-01-23. Review status: criteria provided, single submitter. Criteria: GeneDx Variant Classification Process June 2021. Collection method: clinical testing. Allele origin: germline. Affected: yes.
Comment: Occurs in the triple helical domain and replaces a glycine in a canonical Gly-X-Y repeat; missense substitution of a canonical glycine residue is expected to disrupt normal protein folding and function, and this is an established mechanism of disease (Jovanovic et al., 2021); Not observed at significant frequency in large population cohorts (gnomAD); In silico analysis supports that this missense variant has a deleterious effect on protein structure/function; This variant is associated with the following publications: (PMID: 26377240, 34007986)

NM_001844.5(COL2A1):c.2131G>C (p.Gly711Arg)

Gene: COL2A1 (collagen type II alpha 1 chain; minus strand). Cytogenetic location: 12q13.11.
Variant type: single nucleotide variant.
Coding change: c.2131G>C on transcript NM_001844.5 (MANE Select); coding-DNA position 2131, G replaced by C.
Protein change: p.Gly711Arg; replaces glycine 711 with arginine.
Molecular consequence: missense variant.
Genome position (GRCh38, 1-based): chr12:47,982,910, C>G on the plus strand (G>C on the coding strand, the complement: COL2A1 is on the minus strand). VCF-style: chr12-47982910-C-G. GRCh37 (hg19) VCF-style: chr12-48376693-C-G.
Other names: c.1924G>C, p.Gly642Arg (NM_033150.3); short protein forms G642R, G711R.
Identifiers: ClinVar variation 2573872 (VCV002573872.1), dbSNP rs1362360030, ClinGen allele CA384547073.